The following is an entry in ClinVar:

NM_004408.4(DNM1):c.1721A>G (p.Asp574Gly)

Gene: DNM1 (dynamin 1; plus strand). Cytogenetic location: 9q34.11.
Variant type: single nucleotide variant.
Coding change: c.1721A>G on transcript NM_004408.4 (MANE Select); coding-DNA position 1721, A replaced by G.
Protein change: p.Asp574Gly; replaces aspartic acid 574 with glycine.
Molecular consequence: missense variant.
Genome position (GRCh38, 1-based): chr9:128,246,443, A>G. VCF-style: chr9-128246443-A-G. GRCh37 (hg19) VCF-style: chr9-131008722-A-G.
Other names: c.1721A>G, p.Asp574Gly (NM_001005336.3, NM_001288737.2, NM_001288738.2 and 2 more transcripts); short protein forms D574G.
Identifiers: ClinVar variation 3659729 (VCV003659729.3).

ClinVar aggregate classification (germline): Uncertain significance. Review status: criteria provided, multiple submitters, no conflicts (2 of 4 stars). 2 submissions from 2 submitters: Uncertain significance (2). Last evaluated 2025-04-29.

Conditions:
DNM1-related disorder. Also called: DNM1-related condition.
Developmental and epileptic encephalopathy, 31A. Also called: Epileptic encephalopathy, early infantile, 31; Developmental and epileptic encephalopathy, 31. Identifiers: Orphanet 2382, MedGen C4225357, MONDO:0014598, OMIM 616346.

Submissions (2):

3billion
Classification: Uncertain significance for DNM1-related disorder. Last evaluated: 2025-04-29. Review status: criteria provided, single submitter. Criteria: ACMG Guidelines, 2015. Collection method: clinical testing. Allele origin: germline. Affected: yes.

Labcorp Genetics (formerly Invitae), Labcorp
Classification: Uncertain significance for Developmental and epileptic encephalopathy, 31A. Last evaluated: 2024-10-30. Review status: criteria provided, single submitter. Criteria: Invitae Variant Classification Sherloc (09022015). Collection method: clinical testing. Allele origin: germline.
Comment: This sequence change replaces aspartic acid, which is acidic and polar, with glycine, which is neutral and non-polar, at codon 574 of the DNM1 protein (p.Asp574Gly). This variant is not present in population databases (gnomAD no frequency). This variant has not been reported in the literature in individuals affected with DNM1-related conditions. Invitae Evidence Modeling of protein sequence and biophysical properties (such as structural, functional, and spatial information, amino acid conservation, physicochemical variation, residue mobility, and thermodynamic stability) indicates that this missense variant is not expected to disrupt DNM1 protein function with a negative predictive value of 80%. In summary, the available evidence is currently insufficient to determine the role of this variant in disease. Therefore, it has been classified as a Variant of Uncertain Significance.